The following is an entry in ClinVar:

NM_031475.3(ESPN):c.1604C>T (p.Pro535Leu)

Gene: ESPN (espin; plus strand). Cytogenetic location: 1p36.31.
Variant type: single nucleotide variant.
Coding change: c.1604C>T on transcript NM_031475.3 (MANE Select); coding-DNA position 1604, C replaced by T.
Protein change: p.Pro535Leu; replaces proline 535 with leucine.
Molecular consequence: missense variant.
Genome position (GRCh38, 1-based): chr1:6,448,780, C>T. VCF-style: chr1-6448780-C-T. GRCh37 (hg19) VCF-style: chr1-6508840-C-T.
Other names: c.1604C>T, p.Pro535Leu (NM_001367473.1, NM_001367474.1); c.1604C>T (NM_031475.2); short protein forms P535L.
Identifiers: ClinVar variation 1368684 (VCV001368684.12), dbSNP rs1028888897, ClinGen allele CA17211660.

ClinVar aggregate classification (germline): Conflicting classifications of pathogenicity. Review status: criteria provided, conflicting classifications (1 of 4 stars). 5 submissions from 5 submitters: Uncertain significance (3); Benign (1). 1 of the submissions does not count toward it. Last evaluated 2026-06-03.

Conditions:
ESPN-related disorder. Also called: ESPN-related condition.
Inborn genetic diseases. Identifiers: MedGen C0950123, MeSH D030342.

Allele frequency attached by ClinVar (database versions not stated): gnomAD exomes 0.00003 and 0.00005; 1000 Genomes Project 30x 0.00047.
gnomAD v4.1: 57 of 1,432,110 alleles (0.004%); highest among the groups gnomAD compares: East Asian, 0.046%; no homozygotes.

Submissions (5):

GeneDx
Classification: Uncertain significance. Last evaluated: 2026-06-03. Review status: criteria provided, single submitter. Criteria: GeneDx Variant Classification Process June 2021. Collection method: clinical testing. Allele origin: germline.
Comment: In silico analysis supports that this missense variant has a deleterious effect on protein structure/function; Has not been previously published as pathogenic or benign to our knowledge

Ambry Genetics
Classification: Uncertain significance for Inborn genetic diseases. Last evaluated: 2025-05-01. Review status: criteria provided, single submitter. Criteria: Ambry Variant Classification Scheme 2023. Collection method: clinical testing. Allele origin: germline.

Blueprint Genetics
Classification: Benign. Last evaluated: 2024-06-13. Review status: criteria provided, single submitter. Criteria: ACMG Guidelines, 2015. Collection method: clinical testing. Allele origin: germline.

Labcorp Genetics (formerly Invitae), Labcorp
Classification: Uncertain significance. Last evaluated: 2023-10-13. Review status: criteria provided, single submitter. Criteria: Invitae Variant Classification Sherloc (09022015). Collection method: clinical testing. Allele origin: germline.
Comment: This sequence change replaces proline, which is neutral and non-polar, with leucine, which is neutral and non-polar, at codon 535 of the ESPN protein (p.Pro535Leu). The frequency data for this variant in the population databases is considered unreliable, as metrics indicate poor data quality at this position in the gnomAD database. This variant has not been reported in the literature in individuals affected with ESPN-related conditions. ClinVar contains an entry for this variant (Variation ID: 1368684). Algorithms developed to predict the effect of missense changes on protein structure and function output the following: SIFT: "Not Available"; PolyPhen-2: "Possibly Damaging"; Align-GVGD: "Not Available". The leucine amino acid residue is found in multiple mammalian species, which suggests that this missense change does not adversely affect protein function. In summary, the available evidence is currently insufficient to determine the role of this variant in disease. Therefore, it has been classified as a Variant of Uncertain Significance.

PreventionGenetics, part of Exact Sciences
Classification: Likely benign for ESPN-related condition. Last evaluated: 2024-04-02. Review status: no assertion criteria provided. Collection method: clinical testing. Allele origin: germline. Not counted in ClinVar's aggregate classification.
Comment: This variant is classified as likely benign based on ACMG/AMP sequence variant interpretation guidelines (Richards et al. 2015 PMID: 25741868, with internal and published modifications).